The following is an entry in ClinVar:

NM_006947.4(SRP72):c.168C>G (p.Ile56Met)

Gene: SRP72 (signal recognition particle 72; plus strand). Cytogenetic location: 4q12.
Variant type: single nucleotide variant.
Coding change: c.168C>G on transcript NM_006947.4 (MANE Select); coding-DNA position 168, C replaced by G.
Protein change: p.Ile56Met; replaces isoleucine 56 with methionine.
Molecular consequence: missense variant. On other transcripts: non-coding transcript variant (1).
Genome position (GRCh38, 1-based): chr4:56,469,711, C>G. VCF-style: chr4-56469711-C-G. GRCh37 (hg19) VCF-style: chr4-57335877-C-G.
Other names: c.168C>G, p.Ile56Met (NM_001267722.2); short protein forms I56M.
Identifiers: ClinVar variation 3962085 (VCV003962085.1).

ClinVar aggregate classification (germline): Uncertain significance (1 of 4 stars; one submission).

gnomAD v4.1: 1 of 1,612,568 alleles (0.000062%); highest among the groups gnomAD compares: Non-Finnish European, 0.000085%; no homozygotes.

Submission:

Ambry Genetics
Classification: Uncertain significance. Last evaluated: 2025-04-25. Review status: criteria provided, single submitter. Criteria: Ambry Variant Classification Scheme 2023. Collection method: clinical testing. Allele origin: germline.
Comment: The p.I56M variant (also known as c.168C>G), located in coding exon 2 of the SRP72 gene, results from a C to G substitution at nucleotide position 168. The isoleucine at codon 56 is replaced by methionine, an amino acid with highly similar properties. This amino acid position is conserved. In addition, this alteration is predicted to be tolerated by in silico analysis. Based on the available evidence, the clinical significance of this variant remains unclear.